The following is an entry in ClinVar:

ClinVar aggregate classification (germline): Likely pathogenic (1 of 4 stars; one submission).

Conditions:
X-linked agammaglobulinemia (XLA). Also called: Bruton's agammaglobulinemia; AGAMMAGLOBULINEMIA, X-LINKED, TYPE 1; Agammaglobulinemia, Bruton tyrosine kinase; Agammaglobulinemia, BTK; BTK-deficiency; IMMUNODEFICIENCY 1. Identifiers: Orphanet 229717, Orphanet 47, MedGen C0221026, MONDO:0010421, OMIM 300755.

Submission:

Neuberg Centre For Genomic Medicine, NCGM
Classification: Likely pathogenic for X-linked agammaglobulinemia. Review status: criteria provided, single submitter. Criteria: ACMG Guidelines, 2015. Collection method: clinical testing. Allele origin: germline. Inheritance: X-linked recessive inheritance. Affected: yes.
Comment: The stop gained c.451C>T p.Gln151Ter variant in the BTK gene has not been reported previously as a pathogenic variant nor as a benign variant, to our knowledge. The variant is novel not in any individuals in gnomAD Exomes and 1000 Genomes. This variant is predicted to cause loss of normal protein function either through protein truncation or nonsense-mediated mRNA decay. Loss of function variants have been previously reported to be disease causing. Hence the variant is classified as Likely Pathogenic.

NM_000061.3(BTK):c.451C>T (p.Gln151Ter)

Gene: BTK (Bruton tyrosine kinase; minus strand). Cytogenetic location: Xq22.1.
Variant type: single nucleotide variant.
Coding change: c.451C>T on transcript NM_000061.3 (MANE Select); coding-DNA position 451, C replaced by T.
Protein change: p.Gln151Ter; replaces glutamine 151 with a stop codon.
Molecular consequence: nonsense.
Genome position (GRCh38, 1-based): chrX:101,362,630, G>A on the plus strand (C>T on the coding strand, the complement: BTK is on the minus strand). VCF-style: chrX-101362630-G-A. GRCh37 (hg19) VCF-style: chrX-100617618-G-A.
Other names: c.553C>T, p.Gln185Ter (NM_001287344.2); c.451C>T, p.Gln151Ter (NM_001287345.2); short protein forms Q151*, Q185*.
Identifiers: ClinVar variation 3234960 (VCV003234960.1), dbSNP rs2520611496, ClinGen allele CA413935395.